The following is an entry in ClinVar:

ClinVar aggregate classification (germline): Uncertain significance (1 of 4 stars; one submission).

Allele frequency attached by ClinVar (database versions not stated): gnomAD exomes below 0.00001.
gnomAD v4.1: 1 of 1,613,936 alleles (0.000062%); highest among the groups gnomAD compares: South Asian, 0.0011%; no homozygotes.

Submission:

Ambry Genetics
Classification: Uncertain significance. Last evaluated: 2023-09-15. Review status: criteria provided, single submitter. Criteria: Ambry Variant Classification Scheme 2023. Collection method: clinical testing. Allele origin: germline.
Comment: The p.K218R variant (also known as c.653A>G), located in coding exon 8 of the NPAT gene, results from an A to G substitution at nucleotide position 653. The lysine at codon 218 is replaced by arginine, an amino acid with highly similar properties. This amino acid position is conserved. In addition, this alteration is predicted to be tolerated by in silico analysis. Since supporting evidence is limited at this time, the clinical significance of this alteration remains unclear.

NM_002519.3(NPAT):c.653A>G (p.Lys218Arg)

Gene: NPAT (nuclear protein, coactivator of histone transcription; minus strand). Cytogenetic location: 11q22.3.
Variant type: single nucleotide variant.
Coding change: c.653A>G on transcript NM_002519.3 (MANE Select); coding-DNA position 653, A replaced by G.
Protein change: p.Lys218Arg; replaces lysine 218 with arginine.
Molecular consequence: missense variant.
Genome position (GRCh38, 1-based): chr11:108,186,555, T>C on the plus strand (A>G on the coding strand, the complement: NPAT is on the minus strand). VCF-style: chr11-108186555-T-C. GRCh37 (hg19) VCF-style: chr11-108057282-T-C.
Other names: c.653A>G, p.Lys218Arg (NM_001321307.1); short protein forms K218R.
Identifiers: ClinVar variation 3222638 (VCV003222638.1), dbSNP rs1249002510, ClinGen allele CA382522539.